The following is an entry in ClinVar:

NM_020207.7(ERCC6L2):c.3485G>A (p.Ser1162Asn)

Gene: ERCC6L2 (ERCC excision repair 6 like 2; plus strand). Cytogenetic location: 9q22.32.
Variant type: single nucleotide variant.
Coding change: c.3485G>A on transcript NM_020207.7 (MANE Select); coding-DNA position 3485, G replaced by A.
Protein change: p.Ser1162Asn; replaces serine 1162 with asparagine.
Molecular consequence: missense variant. On other transcripts: non-coding transcript variant (1).
Genome position (GRCh38, 1-based): chr9:95,978,208, G>A. VCF-style: chr9-95978208-G-A. GRCh37 (hg19) VCF-style: chr9-98740490-G-A.
Other names: c.3485G>A, p.Ser1162Asn (NM_001375291.1, NM_001375292.1, NM_001375293.1 and 1 more transcripts); short protein forms S1162N.
Identifiers: ClinVar variation 3700705 (VCV003700705.2).
Genomic context (GRCh38, chr9:95,978,208, plus strand): 5'-CACATGACGTATTTGAGTTGAAGCAGTTTTCTCAGCTGCCTGCTAACATAGCTGTTTGCA[G>A]TTCTAAGGTAAGAAAAATATAGGGTAGTATCATCTTTAGTTACCTCATTTTTCACAGAAG-3'
Protein context (NP_064592.3, residues 1152-1172): SQLPANIAVC[Ser1162Asn]SKTYKEKVDA

ClinVar aggregate classification (germline): Uncertain significance (1 of 4 stars; one submission).

Submission:

Labcorp Genetics (formerly Invitae), Labcorp
Classification: Uncertain significance. Last evaluated: 2025-12-15. Review status: criteria provided, single submitter. Criteria: Invitae Variant Classification Sherloc (09022015). Collection method: clinical testing. Allele origin: germline.
Comment: This sequence change replaces serine, which is neutral and polar, with asparagine, which is neutral and polar, at codon 1173 of the ERCC6L2 protein (p.Ser1173Asn). This variant is not present in population databases (gnomAD no frequency). This variant has not been reported in the literature in individuals affected with ERCC6L2-related conditions. ClinVar contains an entry for this variant (Variation ID: 3700705). Experimental studies and prediction algorithms are not available or were not evaluated, and the functional significance of this variant is currently unknown. In summary, the available evidence is currently insufficient to determine the role of this variant in disease. Therefore, it has been classified as a Variant of Uncertain Significance.